The following is an entry in ClinVar:

ClinVar aggregate classification (germline): Uncertain significance (1 of 4 stars; one submission).

Conditions:
VPS33B-related disorder. Also called: VPS33B-related condition.

gnomAD v4.1: 69 of 1,614,224 alleles (0.0043%); highest among the groups gnomAD compares: South Asian, 0.07%; 1 homozygote.

Submission:

PreventionGenetics, part of Exact Sciences
Classification: Uncertain significance for VPS33B-related condition. Last evaluated: 2026-08-19. Review status: criteria provided, single submitter. Criteria: ACMG Guidelines, 2015. Collection method: clinical testing. Allele origin: germline.
Comment: The VPS33B c.949G>A variant is predicted to result in the amino acid substitution p.Gly317Ser. To our knowledge, this variant has not been reported in the literature. This variant is reported in 0.065% of alleles in individuals of South Asian descent in gnomAD. Although we suspect that this variant may be benign, at this time, the clinical significance of this variant is uncertain due to the absence of conclusive functional and genetic evidence.

NM_018668.5(VPS33B):c.949G>A (p.Gly317Ser)

Gene: VPS33B (VPS33B late endosome and lysosome associated; minus strand). Cytogenetic location: 15q26.1.
Variant type: single nucleotide variant.
Coding change: c.949G>A on transcript NM_018668.5 (MANE Select); coding-DNA position 949, G replaced by A.
Protein change: p.Gly317Ser; replaces glycine 317 with serine.
Molecular consequence: missense variant.
Genome position (GRCh38, 1-based): chr15:91,005,775, C>T on the plus strand (G>A on the coding strand, the complement: VPS33B is on the minus strand). VCF-style: chr15-91005775-C-T. GRCh37 (hg19) VCF-style: chr15-91549005-C-T.
Other names: c.868G>A, p.Gly290Ser (NM_001289148.1); c.676G>A, p.Gly226Ser (NM_001289149.1); short protein forms G226S, G290S, G317S.
Identifiers: ClinVar variation 4981352 (VCV004981352.1).